The following is an entry in ClinVar:

ClinVar aggregate classification (germline): Uncertain significance (1 of 4 stars; one submission).

Conditions:
Hereditary cancer-predisposing syndrome. Also called: Neoplastic Syndromes, Hereditary; Tumor predisposition; Hereditary Cancer Syndrome; Hereditary neoplastic syndrome. Identifiers: Orphanet 140162, MedGen C0027672, MeSH D009386, MONDO:0015356.

gnomAD v4.1: 1 of 1,601,926 alleles (0.000062%); highest among the groups gnomAD compares: Non-Finnish European, 0.000085%; no homozygotes.

Submission:

Ambry Genetics
Classification: Uncertain significance for Hereditary cancer-predisposing syndrome. Last evaluated: 2025-12-15. Review status: criteria provided, single submitter. Criteria: Ambry Variant Classification Scheme 2023. Collection method: clinical testing. Allele origin: germline.
Comment: The p.N801H variant (also known as c.2401A>C), located in coding exon 16 of the BRIP1 gene, results from an A to C substitution at nucleotide position 2401. The asparagine at codon 801 is replaced by histidine, an amino acid with similar properties. This amino acid position is conserved. In addition, the in silico prediction for this alteration is inconclusive. Based on the available evidence, the clinical significance of this variant remains unclear.

NM_032043.3(BRIP1):c.2401A>C (p.Asn801His)

Gene: BRIP1 (BRCA1 interacting DNA helicase 1; minus strand). Cytogenetic location: 17q23.2.
Variant type: single nucleotide variant.
Coding change: c.2401A>C on transcript NM_032043.3 (MANE Select); coding-DNA position 2401, A replaced by C.
Protein change: p.Asn801His; replaces asparagine 801 with histidine.
Molecular consequence: missense variant.
Genome position (GRCh38, 1-based): chr17:61,716,042, T>G on the plus strand (A>C on the coding strand, the complement: BRIP1 is on the minus strand). VCF-style: chr17-61716042-T-G. GRCh37 (hg19) VCF-style: chr17-59793403-T-G.
Other names: short protein forms N801H.
Identifiers: ClinVar variation 4842390 (VCV004842390.1).
Genomic context (GRCh38, chr17:61,716,042, plus strand): 5'-CTTGAATTTCATACCACTGACGGCCAGGTAGAAGACCTCTCAATTTTGAATGGTGGTCAT[T>G]GTATTGTCGTTTTAGTTCAACCTAATAATTTTAAAATATATTTAAAAAATTAGTAGATAA-3'
Protein context (NP_114432.2, residues 791-811): DLQVELKRQY[Asn801His]DHHSKLRGLL